The following is an entry in ClinVar:

ClinVar aggregate classification (germline): Uncertain significance. Review status: criteria provided, multiple submitters, no conflicts (2 of 4 stars). 3 submissions from 3 submitters: Uncertain significance (3). Last evaluated 2026-03-12.

Conditions:
Inborn genetic diseases. Identifiers: MedGen C0950123, MeSH D030342.
Neuropathy, hereditary sensory, type 2C. Also called: Hereditary sensory and autonomic neuropathy type IIC; KIF1A-Related HSAN2 (HSAN2C). Identifiers: Orphanet 970, MedGen C3280168, MONDO:0013634, OMIM 614213.
Intellectual disability, autosomal dominant 9 (NESCAVS). Also called: NESCAV SYNDROME; KIF1A-Related Neurodevelopmental Disorder. Identifiers: Orphanet 662367, MedGen C5393830, MONDO:0013656, OMIM 614255.
Hereditary spastic paraplegia 30. Identifiers: Orphanet 101010, MedGen C5235139, MONDO:0012476.

Submissions (3):

GeneDx
Classification: Uncertain significance. Last evaluated: 2026-03-12. Review status: criteria provided, single submitter. Criteria: GeneDx Variant Classification Process June 2021. Collection method: clinical testing. Allele origin: germline.
Comment: Not observed at significant frequency in large population cohorts (gnomAD); In silico analysis supports that this missense variant has a deleterious effect on protein structure/function; Has not been previously published as pathogenic or benign to our knowledge; This variant is associated with the following publications: (PMID: 26125038, 21820098, 21376300)

Labcorp Genetics (formerly Invitae), Labcorp
Classification: Uncertain significance for Hereditary spastic paraplegia 30; Neuropathy, hereditary sensory, type 2C; Intellectual disability, autosomal dominant 9. Last evaluated: 2022-07-12. Review status: criteria provided, single submitter. Criteria: Invitae Variant Classification Sherloc (09022015). Collection method: clinical testing. Allele origin: germline.
Comment: This variant has not been reported in the literature in individuals affected with KIF1A-related conditions. In summary, the available evidence is currently insufficient to determine the role of this variant in disease. Therefore, it has been classified as a Variant of Uncertain Significance. Advanced modeling of protein sequence and biophysical properties (such as structural, functional, and spatial information, amino acid conservation, physicochemical variation, residue mobility, and thermodynamic stability) performed at Invitae indicates that this missense variant is expected to disrupt KIF1A protein function. This variant is not present in population databases (gnomAD no frequency). This sequence change replaces lysine, which is basic and polar, with threonine, which is neutral and polar, at codon 161 of the KIF1A protein (p.Lys161Thr).

Ambry Genetics
Classification: Uncertain significance for Inborn genetic diseases. Last evaluated: 2022-05-11. Review status: criteria provided, single submitter. Criteria: Ambry Variant Classification Scheme 2023. Collection method: clinical testing. Allele origin: germline.

NM_001244008.2(KIF1A):c.482A>C (p.Lys161Thr)

Gene: KIF1A (kinesin family member 1A; minus strand). Cytogenetic location: 2q37.3.
Variant type: single nucleotide variant.
Coding change: c.482A>C on transcript NM_001244008.2 (MANE Select); coding-DNA position 482, A replaced by C.
Protein change: p.Lys161Thr; replaces lysine 161 with threonine.
Molecular consequence: missense variant.
Genome position (GRCh38, 1-based): chr2:240,786,461, T>G on the plus strand (A>C on the coding strand, the complement: KIF1A is on the minus strand). VCF-style: chr2-240786461-T-G. GRCh37 (hg19) VCF-style: chr2-241725878-T-G.
Other names: c.482A>C (NM_004321.6); c.482A>C, p.Lys161Thr (NM_001320705.2, NM_001330289.2, NM_001330290.2 and 21 more transcripts); short protein forms K161T.
Identifiers: ClinVar variation 1977351 (VCV001977351.8), dbSNP rs1011045689, ClinGen allele CA351306645.